The following is an entry in ClinVar:

ClinVar aggregate classification (germline): Uncertain significance (1 of 4 stars; one submission).

Conditions:
Cortical dysplasia-focal epilepsy syndrome (PTHSL1). Also called: Pitt-Hopkins-like syndrome 1. Identifiers: Orphanet 163681, Orphanet 221150, MedGen C2750246, MONDO:0012400, OMIM 610042.

Submission:

Labcorp Genetics (formerly Invitae), Labcorp
Classification: Uncertain significance for Cortical dysplasia-focal epilepsy syndrome. Last evaluated: 2022-11-29. Review status: criteria provided, single submitter. Criteria: Invitae Variant Classification Sherloc (09022015). Collection method: clinical testing. Allele origin: germline.
Comment: In summary, the available evidence is currently insufficient to determine the role of this variant in disease. Therefore, it has been classified as a Variant of Uncertain Significance. Algorithms developed to predict the effect of missense changes on protein structure and function are either unavailable or do not agree on the potential impact of this missense change (SIFT: "Deleterious"; PolyPhen-2: "Benign"; Align-GVGD: "Class C0"). ClinVar contains an entry for this variant (Variation ID: 1490047). This variant has not been reported in the literature in individuals affected with CNTNAP2-related conditions. This variant is not present in population databases (gnomAD no frequency). This sequence change replaces proline, which is neutral and non-polar, with arginine, which is basic and polar, at codon 487 of the CNTNAP2 protein (p.Pro487Arg).

NM_014141.6(CNTNAP2):c.1460C>G (p.Pro487Arg)

Gene: CNTNAP2 (contactin associated protein 2; plus strand). Cytogenetic location: 7q35.
Variant type: single nucleotide variant.
Coding change: c.1460C>G on transcript NM_014141.6 (MANE Select); coding-DNA position 1460, C replaced by G.
Protein change: p.Pro487Arg; replaces proline 487 with arginine.
Molecular consequence: missense variant.
Genome position (GRCh38, 1-based): chr7:147,300,252, C>G. VCF-style: chr7-147300252-C-G. GRCh37 (hg19) VCF-style: chr7-146997344-C-G.
Other names: short protein forms P487R.
Identifiers: ClinVar variation 1490047 (VCV001490047.8), dbSNP rs2116769474, ClinGen allele CA369925270.
Genomic context (GRCh38, chr7:147,300,252, plus strand): 5'-AAAATTTTGCTATTCTCACCATCGATGGAGATGAAGCATCAGCAGTTCGAACTAATAGTC[C>G]CCTTCAAGTTAAAACTGGCGAGAAGTACTTTTTTGGAGGTAAGAATGCCATTCCTTTTTG-3'
Protein context (NP_054860.1, residues 477-497): DEASAVRTNS[Pro487Arg]LQVKTGEKYF